The following is an entry in ClinVar:

NM_000540.3(RYR1):c.4347G>A (p.Ala1449=)

Gene: RYR1 (ryanodine receptor 1; plus strand). Cytogenetic location: 19q13.2.
Variant type: single nucleotide variant.
Coding change: c.4347G>A on transcript NM_000540.3 (MANE Select); coding-DNA position 4347, G replaced by A.
Protein change: p.Ala1449=; no amino-acid change (alanine 1449 retained).
Molecular consequence: synonymous variant.
Genome position (GRCh38, 1-based): chr19:38,477,763, G>A. VCF-style: chr19-38477763-G-A. GRCh37 (hg19) VCF-style: chr19-38968403-G-A.
Other names: c.4347G>A, p.Ala1449= (NM_001042723.2).
Identifiers: ClinVar variation 1517677 (VCV001517677.10), dbSNP rs749006833, ClinGen allele CA065972.

ClinVar aggregate classification (germline): Likely benign. Review status: criteria provided, multiple submitters, no conflicts (2 of 4 stars). 3 submissions from 3 submitters: Likely benign (3). Last evaluated 2025-05-14.

Conditions:
Malignant hyperthermia, susceptibility to, 1 (MHS1). Also called: RYR1-Related Malignant Hyperthermia Susceptibility; Malignant hyperthermia suceptibility 1; Anesthesia related hyperthermia; Malignant hyperpyrexia; Fulminating hyperpyrexia; Pharmacogenic myopathy. Identifiers: Orphanet 423, MedGen C2930980, MONDO:0007783, OMIM 145600.
RYR1-related disorder. Also called: RYR1-related disorders; RYR1-related condition. Identifiers: MedGen CN239331.

Allele frequency attached by ClinVar (database versions not stated): gnomAD exomes 0.00001 and 0.00004; gnomAD 0.00002 and 0.00003; TOPMed 0.00003; ExAC 0.00006.
gnomAD v4.1: 17 of 1,614,004 alleles (0.0011%); highest among the groups gnomAD compares: Admixed American, 0.015%; no homozygotes.

Submissions (3):

Labcorp Genetics (formerly Invitae), Labcorp
Classification: Likely benign for RYR1-related disorder. Last evaluated: 2025-05-14. Review status: criteria provided, single submitter. Criteria: Invitae Variant Classification Sherloc (09022015). Collection method: clinical testing. Allele origin: germline.

All of Us Research Program, National Institutes of Health
Classification: Likely benign for Malignant hyperthermia, susceptibility to, 1. Last evaluated: 2024-07-10. Review status: criteria provided, single submitter. Criteria: ACMG Guidelines, 2015. Collection method: clinical testing. Allele origin: germline. Inheritance: Autosomal dominant inheritance. Observed: 3 variant alleles, 3 heterozygotes.
Comment: This study involves interpretation of variants in research participants for the purpose of population health screening. Participant phenotype was not available at the time of variant classification. Additional details can be found in publication PMID: 35346344, PMCID: PMC8962531

Color Diagnostics, LLC DBA Color Health
Classification: Likely benign for Malignant hyperthermia, susceptibility to, 1. Last evaluated: 2024-06-25. Review status: criteria provided, single submitter. Criteria: ACMG Guidelines, 2015. Collection method: clinical testing. Allele origin: germline.